The following is an entry in ClinVar:

NM_199420.4(POLQ):c.3268G>A (p.Glu1090Lys)

Gene: POLQ (DNA polymerase theta; minus strand). Cytogenetic location: 3q13.33.
Variant type: single nucleotide variant.
Coding change: c.3268G>A on transcript NM_199420.4 (MANE Select); coding-DNA position 3268, G replaced by A.
Protein change: p.Glu1090Lys; replaces glutamic acid 1090 with lysine.
Molecular consequence: missense variant.
Genome position (GRCh38, 1-based): chr3:121,489,663, C>T on the plus strand (G>A on the coding strand, the complement: POLQ is on the minus strand). VCF-style: chr3-121489663-C-T. GRCh37 (hg19) VCF-style: chr3-121208510-C-T.
Other names: short protein forms E1090K.
Identifiers: ClinVar variation 3229921 (VCV003229921.1), dbSNP rs746776482, ClinGen allele CA2563086.

ClinVar aggregate classification (germline): Uncertain significance (1 of 4 stars; one submission).

Allele frequency attached by ClinVar (database versions not stated): TOPMed below 0.00001; gnomAD 0.00001; gnomAD exomes 0.00001; ExAC 0.00002.
gnomAD v4.1: 8 of 1,613,918 alleles (0.0005%); highest among the groups gnomAD compares: South Asian, 0.0077%; no homozygotes.

Submission:

Ambry Genetics
Classification: Uncertain significance. Last evaluated: 2023-12-23. Review status: criteria provided, single submitter. Criteria: Ambry Variant Classification Scheme 2023. Collection method: clinical testing. Allele origin: germline.
Comment: The p.E1090K variant (also known as c.3268G>A), located in coding exon 16 of the POLQ gene, results from a G to A substitution at nucleotide position 3268. The glutamic acid at codon 1090 is replaced by lysine, an amino acid with similar properties. This amino acid position is conserved. In addition, this alteration is predicted to be tolerated by in silico analysis. Since supporting evidence is limited at this time, the clinical significance of this alteration remains unclear.